The following is an entry in ClinVar:

ClinVar aggregate classification (germline): Pathogenic (1 of 4 stars; one submission).

Submission:

GeneDx
Classification: Pathogenic. Last evaluated: 2025-08-23. Review status: criteria provided, single submitter. Criteria: GeneDx Variant Classification Process June 2021. Collection method: clinical testing. Allele origin: germline. Affected: yes.
Comment: Nonsense variant predicted to result in protein truncation or nonsense mediated decay in a gene for which loss of function is a known mechanism of disease; Not observed at significant frequency in large population cohorts (gnomAD); Has not been previously published as pathogenic or benign to our knowledge

NM_134261.3(RORA):c.439C>T (p.Arg147Ter)

Genes: RORA (RAR related orphan receptor A; minus strand), RORA-AS1 (RORA antisense RNA 1; plus strand). Cytogenetic location: 15q22.2.
Variant type: single nucleotide variant.
Coding change: c.439C>T on transcript NM_134261.3 (MANE Select); coding-DNA position 439, C replaced by T.
Protein change: p.Arg147Ter; replaces arginine 147 with a stop codon.
Molecular consequence: nonsense.
Genome position (GRCh38, 1-based): chr15:60,511,607, G>A on the plus strand (C>T on the coding strand, the complement: RORA is on the minus strand). VCF-style: chr15-60511607-G-A. GRCh37 (hg19) VCF-style: chr15-60803806-G-A.
Other names: c.514C>T, p.Arg172Ter (NM_002943.4); c.538C>T, p.Arg180Ter (NM_134260.3); c.274C>T, p.Arg92Ter (NM_134262.3); short protein forms R147*, R172*, R180*, R92*.
Identifiers: ClinVar variation 1300412 (VCV001300412.3), dbSNP rs1222860434, ClinGen allele CA392671254.